The following is an entry in ClinVar:

ClinVar aggregate classification (germline): Uncertain significance (1 of 4 stars; one submission).

Conditions:
Familial cancer of breast. Also called: BREAST CANCER, FAMILIAL; hereditary breast carcinoma; Hereditary breast cancer. Identifiers: Orphanet 227535, MedGen C0346153, MONDO:0016419, OMIM 114480. Disease mechanism: loss of function.

Submission:

Labcorp Genetics (formerly Invitae), Labcorp
Classification: Uncertain significance for Familial cancer of breast. Last evaluated: 2024-01-10. Review status: criteria provided, single submitter. Criteria: Invitae Variant Classification Sherloc (09022015). Collection method: clinical testing. Allele origin: germline.
Comment: This sequence change falls in intron 10 of the PALB2 gene. It does not directly change the encoded amino acid sequence of the PALB2 protein. This variant is not present in population databases (gnomAD no frequency). This variant has not been reported in the literature in individuals affected with PALB2-related conditions. Experimental studies and prediction algorithms are not available or were not evaluated, and the effect of this variant on mRNA splicing is currently unknown. In summary, the available evidence is currently insufficient to determine the role of this variant in disease. Therefore, it has been classified as a Variant of Uncertain Significance.

NM_024675.4(PALB2):c.3113+15_3113+32del

Gene: PALB2 (partner and localizer of BRCA2; minus strand). Cytogenetic location: 16p12.2.
Variant type: Deletion.
Coding change: c.3113+15_3113+32del on transcript NM_024675.4 (MANE Select); bases 15 to 32 of the intron after coding-DNA position 3113, 18 bases deleted (TAGGTCCTCAGTTCCCTC).
Molecular consequence: intron variant.
Genome position (GRCh38, 1-based): chr16:23,621,330-23,621,347, GAGGGAACTGAGGACCTA deleted on the plus strand (TAGGTCCTCAGTTCCCTC on the coding strand, the reverse complement: PALB2 is on the minus strand); deleting any 18 consecutive bases within chr16:23,621,330-23,621,354 gives the same sequence; the c. name uses the placement nearest the transcript's 3' end. VCF-style (leftmost placement, unchanged base first): chr16-23621329-TGAGGGAACTGAGGACCTA-T. GRCh37 (hg19) VCF-style: chr16-23632650-TGAGGGAACTGAGGACCTA-T.
Other names: c.2228+15_2228+32del (NM_001407308.1, NM_001407306.1, NM_001407309.1 and 4 more transcripts); c.647+15_647+32del (NM_001407314.1); c.1325+15_1325+32del (NM_001407313.1, NM_001407312.1); c.3053+15_3053+32del (NM_001407296.1); c.3041+15_3041+32del (NM_001407297.1); c.2951+15_2951+32del (NM_001407302.1, NM_001407298.1); c.2834+2662_2834+2679del (NM_001407300.1); c.3113+15_3113+32del (NM_001407299.1, NM_001407301.1); and 1 more.
Identifiers: ClinVar variation 2810273 (VCV002810273.1), dbSNP rs2506316259, ClinGen allele CA2739266662.